The following is an entry in ClinVar:

ClinVar aggregate classification (germline): Uncertain significance (1 of 4 stars; one submission).

Submission:

Women's Health and Genetics/Laboratory Corporation of America, LabCorp
Classification: Uncertain significance. Last evaluated: 2025-05-27. Review status: criteria provided, single submitter. Criteria: LabCorp Variant Classification Summary - May 2015. Collection method: clinical testing. Allele origin: germline.
Comment: Variant summary: COL11A2 c.1640G>A (p.Gly547Glu) results in a non-conservative amino acid change in the encoded protein sequence. Algorithms developed to predict the effect of missense changes on protein structure and function all suggest that this variant is likely to be disruptive. The variant was absent in 249748 control chromosomes. The available data on variant occurrences in the general population are insufficient to allow any conclusion about variant significance. To our knowledge, no occurrence of c.1640G>A in individuals affected with COL11A2-Related Disorders and no experimental evidence demonstrating its impact on protein function have been reported. No submitters have cited clinical-significance assessments for this variant to ClinVar. Based on the evidence outlined above, the variant was classified as uncertain significance.

NM_080680.3(COL11A2):c.1640G>A (p.Gly547Glu)

Gene: COL11A2 (collagen type XI alpha 2 chain; minus strand). Cytogenetic location: 6p21.32.
Variant type: single nucleotide variant.
Coding change: c.1640G>A on transcript NM_080680.3 (MANE Select); coding-DNA position 1640, G replaced by A.
Protein change: p.Gly547Glu; replaces glycine 547 with glutamic acid.
Molecular consequence: missense variant.
Genome position (GRCh38, 1-based): chr6:33,178,945, C>T on the plus strand (G>A on the coding strand, the complement: COL11A2 is on the minus strand). VCF-style: chr6-33178945-C-T. GRCh37 (hg19) VCF-style: chr6-33146722-C-T.
Other names: c.1460G>A, p.Gly487Glu (NM_001424108.1); c.794G>A, p.Gly265Glu (NM_001424109.1); c.614G>A, p.Gly205Glu (NM_001424110.1, NM_001424111.1); c.1319G>A, p.Gly440Glu (NM_080679.3); c.1382G>A, p.Gly461Glu (NM_080681.3); short protein forms G205E, G265E, G440E, G461E, G487E, G547E.
Identifiers: ClinVar variation 3902674 (VCV003902674.1).